The following is an entry in ClinVar:

ClinVar aggregate classification (germline): Uncertain significance (1 of 4 stars; one submission).

gnomAD v4.1: 3 of 1,603,706 alleles (0.00019%); highest among the groups gnomAD compares: Admixed American, 0.0035%; no homozygotes.

Submission:

CeGaT Center for Human Genetics Tuebingen
Classification: Uncertain significance. Last evaluated: 2025-06-01. Review status: criteria provided, single submitter. Criteria: CeGaT Center For Human Genetics Tuebingen Variant Classification Criteria Version 2. Collection method: clinical testing. Allele origin: germline. Affected: yes. Observed: 1 variant allele.
Comment: RIMS2: PM2, PP3

NM_001348484.3(RIMS2):c.2525C>G (p.Ala842Gly)

Gene: RIMS2 (regulating synaptic membrane exocytosis 2; plus strand). Cytogenetic location: 8q22.3.
Variant type: single nucleotide variant.
Coding change: c.2525C>G on transcript NM_001348484.3 (MANE Select); coding-DNA position 2525, C replaced by G.
Protein change: p.Ala842Gly; replaces alanine 842 with glycine.
Molecular consequence: missense variant. On other transcripts: non-coding transcript variant (2).
Genome position (GRCh38, 1-based): chr8:103,931,318, C>G. VCF-style: chr8-103931318-C-G. GRCh37 (hg19) VCF-style: chr8-104943546-C-G.
Other names: c.1676C>G, p.Ala559Gly (NM_001348498.2, NM_001348499.2, NM_001348500.2 and 7 more transcripts); c.1724C>G, p.Ala575Gly (NM_001348504.2, NM_001348507.2); c.1817C>G, p.Ala606Gly (NM_001348505.2, NM_001282881.2); c.2300C>G, p.Ala767Gly (NM_001100117.3); c.2252C>G, p.Ala751Gly (NM_001348485.2, NM_001348489.2, NM_001348493.2); c.2405C>G, p.Ala802Gly (NM_001348486.2); c.2264C>G, p.Ala755Gly (NM_001348487.2, NM_001348490.2, NM_001348492.2 and 1 more transcripts); c.2384C>G, p.Ala795Gly (NM_001348488.2, NM_001395653.1, NM_001395654.1); and 4 more; short protein forms A559G, A575G, A606G, A751G, A755G, A765G, A767G, A771G.
Identifiers: ClinVar variation 4085126 (VCV004085126.8).